The following is an entry in ClinVar:

ClinVar aggregate classification (germline): Pathogenic/Likely pathogenic. Review status: criteria provided, multiple submitters, no conflicts (2 of 4 stars). 6 submissions from 6 submitters: Pathogenic (4); Likely pathogenic (1). 1 of the submissions does not count toward it. Last evaluated 2026-01-31.

Conditions:
EVC-related disorder. Also called: EVC-related disorders; EVC-related condition.
Ellis-van Creveld syndrome (EVC). Also called: MESOECTODERMAL DYSPLASIA; Chondroectodermal dysplasia. Identifiers: Orphanet 289, MedGen C0013903, MONDO:0009162, OMIM 225500.
Curry-Hall syndrome (WAD). Also called: WEYERS ACRODENTAL DYSOSTOSIS. Identifiers: Orphanet 952, MedGen C0457013, MONDO:0008673, OMIM 193530.

Allele frequency attached by ClinVar (database versions not stated): gnomAD 0.00001; gnomAD exomes 0.00001; TOPMed 0.00002.
gnomAD v4.1: 10 of 1,551,412 alleles (0.00064%); highest among the groups gnomAD compares: Non-Finnish European, 0.00087%; no homozygotes.

Submissions (6):

Labcorp Genetics (formerly Invitae), Labcorp
Classification: Pathogenic for Curry-Hall syndrome; Ellis-van Creveld syndrome. Last evaluated: 2026-01-31. Review status: criteria provided, single submitter. Criteria: Invitae Variant Classification Sherloc (09022015). Collection method: clinical testing. Allele origin: germline.
Comment: This sequence change affects an acceptor splice site in intron 12 of the EVC gene. It is expected to disrupt RNA splicing. Variants that disrupt the donor or acceptor splice site typically lead to a loss of protein function (PMID: 16199547), and loss-of-function variants in EVC are known to be pathogenic (PMID: 23220543). The frequency data for this variant in the population databases is considered unreliable, as metrics indicate poor data quality at this position in the gnomAD database. Disruption of this splice site has been observed in individuals with Ellis-van Creveld syndrome (PMID: 17024374, 23220543). This variant is also known as IVS12-2A > G. ClinVar contains an entry for this variant (Variation ID: 551792). Algorithms developed to predict the effect of sequence changes on RNA splicing suggest that this variant may disrupt the consensus splice site. For these reasons, this variant has been classified as Pathogenic.

Natera, Inc.
Classification: Pathogenic for Ellis-van Creveld syndrome. Last evaluated: 2025-05-14. Review status: criteria provided, single submitter. Criteria: Natera Variant Classification Schema (03/2026). Collection method: clinical testing. Allele origin: germline.
Comment: The c.1777-2A>G variant in EVC is a canonical splice acceptor site variant predicted to affect pre-mRNA splicing, which may result in an abnormal transcript and altered protein product. This variant is expected to result in nonsense mediated decay, truncation, or a dysfunctional protein product. This variant is rare in the general population with a frequency below the threshold expected for the associated phenotype(s). This variant has been observed in one or more individuals affected with the associated recessive disease, as either homozygous or compound heterozygous with a second variant (PMID: 17024374). Given the available evidence, this variant is classified as Pathogenic.

Blueprint Genetics
Classification: Pathogenic for EVC-related disorders. Last evaluated: 2024-08-29. Review status: criteria provided, single submitter. Criteria: ACMG Guidelines, 2015. Collection method: clinical testing. Allele origin: germline. Affected: yes. Observed: 2 variant alleles.

Fulgent Genetics
Classification: Likely pathogenic for Curry-Hall syndrome; Ellis-van Creveld syndrome. Last evaluated: 2023-12-25. Review status: criteria provided, single submitter. Criteria: ACMG Guidelines, 2015. Collection method: clinical testing. Allele origin: germline.

CeGaT Center for Human Genetics Tuebingen
Classification: Pathogenic. Last evaluated: 2022-10-01. Review status: criteria provided, single submitter. Criteria: CeGaT Center For Human Genetics Tuebingen Variant Classification Criteria Version 2. Collection method: clinical testing. Allele origin: germline. Affected: yes. Observed: 1 variant allele.
Comment: EVC: PVS1, PM2

Counsyl
Classification: Likely pathogenic for Ellis-van Creveld syndrome. Last evaluated: 2017-05-15. Review status: no assertion criteria provided. Collection method: clinical testing. Allele origin: unknown. Not counted in ClinVar's aggregate classification.

Literature cited by the submitters: PubMed 16199547 (cited by Labcorp Genetics (formerly Invitae), Labcorp); PubMed 23220543 (cited by Labcorp Genetics (formerly Invitae), Labcorp); PubMed 17024374 (cited by 3 submitters).

NM_153717.3(EVC):c.1777-2A>G

Gene: EVC (EvC ciliary complex subunit 1; plus strand). Cytogenetic location: 4p16.2.
Variant type: single nucleotide variant.
Coding change: c.1777-2A>G on transcript NM_153717.3 (MANE Select); the canonical splice acceptor site of the intron before coding-DNA position 1777, A replaced by G.
Molecular consequence: splice acceptor variant.
Genome position (GRCh38, 1-based): chr4:5,793,606, A>G. VCF-style: chr4-5793606-A-G. GRCh37 (hg19) VCF-style: chr4-5795333-A-G.
Other names: c.1777-2A>G (NM_001306090.2).
Identifiers: ClinVar variation 551792 (VCV000551792.44), dbSNP rs909612975, ClinGen allele CA91716930.